The following is an entry in ClinVar:

NM_001267550.2(TTN):c.7682T>C (p.Ile2561Thr)

Gene: TTN (titin; minus strand). Cytogenetic location: 2q31.2.
Variant type: single nucleotide variant.
Coding change: c.7682T>C on transcript NM_001267550.2 (MANE Select); coding-DNA position 7682, T replaced by C.
Protein change: p.Ile2561Thr; replaces isoleucine 2561 with threonine.
Molecular consequence: missense variant.
Genome position (GRCh38, 1-based): chr2:178,773,282, A>G on the plus strand (T>C on the coding strand, the complement: TTN is on the minus strand). VCF-style: chr2-178773282-A-G. GRCh37 (hg19) VCF-style: chr2-179638009-A-G.
Other names: p.I2561T:ATT>ACT; c.7544T>C, p.Ile2515Thr (NM_003319.4, NM_133432.3, NM_133437.4); c.7682T>C, p.Ile2561Thr (NM_133378.4, NM_133379.5, NM_001256850.1); short protein forms I2561T, I2515T.
Identifiers: ClinVar variation 203153 (VCV000203153.6), dbSNP rs747031357, ClinGen allele CA311469.

ClinVar aggregate classification (germline): Conflicting classifications of pathogenicity. Review status: criteria provided, conflicting classifications (1 of 4 stars). 4 submissions from 4 submitters: Uncertain significance (3); Likely benign (1). Last evaluated 2022-12-19.

Conditions:
Early-onset myopathy with fatal cardiomyopathy (CMYO5). Also called: CONGENITAL MYOPATHY 5 WITH CARDIOMYOPATHY; Salih Myopathy. Identifiers: Orphanet 289377, MedGen C2673677, MONDO:0012714, OMIM 611705. Disease mechanism: loss of function.
Autosomal recessive limb-girdle muscular dystrophy type 2J (LGMDR10). Also called: MUSCULAR DYSTROPHY, LIMB-GIRDLE, AUTOSOMAL RECESSIVE 10; Limb-girdle muscular dystrophy, type 2J. Identifiers: Orphanet 140922, MedGen C1837342, MONDO:0012127, OMIM 608807.
Dilated cardiomyopathy 1G (CMD1G). Identifiers: Orphanet 154, MedGen C1858763, MONDO:0011400, OMIM 604145.
Myopathy, myofibrillar, 9, with early respiratory failure (MFM9). Also called: EDSTROM MYOPATHY; Hereditary myopathy with early respiratory failure; MYOPATHY, PROXIMAL, WITH EARLY RESPIRATORY MUSCLE INVOLVEMENT; Myopathy, distal, with early respiratory failure, autosomal dominant. Identifiers: Orphanet 178464, Orphanet 34521, MedGen C1863599, MONDO:0011362, OMIM 603689.
Tibial muscular dystrophy (TMD). Also called: Tibial muscular dystrophy, tardive; Udd Distal Myopathy – Tibial Muscular Dystrophy; UDD MYOPATHY. Identifiers: Orphanet 609, MedGen C1838244, MONDO:0010870, OMIM 600334.
Hypertrophic cardiomyopathy 9. Also called: Familial hypertrophic cardiomyopathy 9. Identifiers: MedGen C1861065, MONDO:0013412, OMIM 613765.
Cardiomyopathy (CMYO). Also called: Cardiomyopathies. Identifiers: Orphanet 167848, MedGen C0878544, MONDO:0004994, HP:0001638. Inheritance: Various modes of inheritance.

Allele frequency attached by ClinVar (database versions not stated): TOPMed below 0.00001; gnomAD 0.00001; ExAC 0.00002; gnomAD exomes 0.00002.

Submissions (4):

Blueprint Genetics
Classification: Likely benign. Last evaluated: 2022-12-19. Review status: criteria provided, single submitter. Criteria: ACMG Guidelines, 2015. Collection method: clinical testing. Allele origin: germline.

Fulgent Genetics
Classification: Uncertain significance for Tibial muscular dystrophy; Myopathy, myofibrillar, 9, with early respiratory failure; Dilated cardiomyopathy 1G; Autosomal recessive limb-girdle muscular dystrophy type 2J; Early-onset myopathy with fatal cardiomyopathy; Hypertrophic cardiomyopathy 9. Last evaluated: 2021-11-18. Review status: criteria provided, single submitter. Criteria: ACMG Guidelines, 2015. Collection method: clinical testing. Allele origin: unknown.

CHEO Genetics Diagnostic Laboratory, Children's Hospital of Eastern Ontario
Classification: Uncertain significance for Cardiomyopathy. Last evaluated: 2018-03-23. Review status: criteria provided, single submitter. Criteria: ACMG Guidelines, 2015. Collection method: clinical testing. Allele origin: germline.

GeneDx
Classification: Uncertain significance. Last evaluated: 2014-05-09. Review status: criteria provided, single submitter. Criteria: GeneDx Variant Classification (06012015). Collection method: clinical testing. Allele origin: germline. Affected: yes.
Comment: Missense variants in the TTN gene are considered 'unclassified' if they are not previously reported in the literature and do not have >1% frequency in the population to be considered a polymorphism. Research indicates that truncating mutations in the TTN gene are expected to account for approximately 25% of familial and 18% of sporadic idiopathic DCM; however, truncating variants in the TTN gene have been reported in approximately 3% of reported control alleles. There has been little investigation into non-truncating variants. (Herman D et al. Truncations of titin causing dilated cardiomyopathy. N Eng J Med 366:619-628, 2012) The variant is found in CARDIOMYOPATHY panel(s).